The following is an entry in ClinVar:

NM_014895.4(CEP162):c.250G>C (p.Ala84Pro)

Gene: CEP162 (centrosomal protein 162; minus strand). Cytogenetic location: 6q14.3.
Variant type: single nucleotide variant.
Coding change: c.250G>C on transcript NM_014895.4 (MANE Select); coding-DNA position 250, G replaced by C.
Protein change: p.Ala84Pro; replaces alanine 84 with proline.
Molecular consequence: missense variant.
Genome position (GRCh38, 1-based): chr6:84,215,845, C>G on the plus strand (G>C on the coding strand, the complement: CEP162 is on the minus strand). VCF-style: chr6-84215845-C-G. GRCh37 (hg19) VCF-style: chr6-84925563-C-G.
Other names: c.22G>C, p.Ala8Pro (NM_001286206.2); c.250G>C (NM_014895.2); short protein forms A84P, A8P.
Identifiers: ClinVar variation 3771049 (VCV003771049.14).
Genomic context (GRCh38, chr6:84,215,845, plus strand): 5'-CTAAGCTATCAGTACTTAAGAGAGAGGTTCCACTGCTCTTAAGAAATTGAATCTTTTCAG[C>G]AGACTCCTCTTCTATTTCCATAACAGGCTGAGAAGTCTTCTTTGTTTTCAAATAGCTCAC-3'
Protein context (NP_055710.2, residues 74-94): QPVMEIEEES[Ala84Pro]EKIQFLKSSG

ClinVar aggregate classification (germline): Conflicting classifications of pathogenicity. Review status: criteria provided, conflicting classifications (1 of 4 stars). 2 submissions from 2 submitters: Uncertain significance (1); Likely benign (1). Last evaluated 2025-08-09.

gnomAD v4.1: 269 of 1,585,428 alleles (0.017%); highest among the groups gnomAD compares: African/African-American, 0.33%; 1 homozygote.

Submissions (2):

Ambry Genetics
Classification: Uncertain significance. Last evaluated: 2025-08-09. Review status: criteria provided, single submitter. Criteria: Ambry Variant Classification Scheme 2023. Collection method: clinical testing. Allele origin: germline.

CeGaT Center for Human Genetics Tuebingen
Classification: Likely benign. Last evaluated: 2025-02-01. Review status: criteria provided, single submitter. Criteria: CeGaT Center For Human Genetics Tuebingen Variant Classification Criteria Version 2. Collection method: clinical testing. Allele origin: germline. Affected: yes. Observed: 1 variant allele.
Comment: CEP162: BP4